The following is an entry in ClinVar:

NM_005956.4(MTHFD1):c.1798G>A (p.Val600Ile)

Gene: MTHFD1 (methylenetetrahydrofolate dehydrogenase, cyclohydrolase and formyltetrahydrofolate synthetase 1; plus strand). Cytogenetic location: 14q23.3.
Variant type: single nucleotide variant.
Coding change: c.1798G>A on transcript NM_005956.4 (MANE Select); coding-DNA position 1798, G replaced by A.
Protein change: p.Val600Ile; replaces valine 600 with isoleucine.
Molecular consequence: missense variant.
Genome position (GRCh38, 1-based): chr14:64,440,249, G>A. VCF-style: chr14-64440249-G-A. GRCh37 (hg19) VCF-style: chr14-64906967-G-A.
Other names: c.1798G>A, p.Val600Ile (NM_001364837.1); short protein forms V600I.
Identifiers: ClinVar variation 1487765 (VCV001487765.7), dbSNP rs780071344, ClinGen allele CA7226352.

ClinVar aggregate classification (germline): Uncertain significance (1 of 4 stars; one submission).

Allele frequency attached by ClinVar (database versions not stated): gnomAD 0.00001; gnomAD exomes 0.00001 and 0.00002; ExAC 0.00002.
gnomAD v4.1: 25 of 1,614,060 alleles (0.0015%); highest among the groups gnomAD compares: South Asian, 0.0022%; no homozygotes.

Submission:

Labcorp Genetics (formerly Invitae), Labcorp
Classification: Uncertain significance. Last evaluated: 2023-12-07. Review status: criteria provided, single submitter. Criteria: Invitae Variant Classification Sherloc (09022015). Collection method: clinical testing. Allele origin: germline.
Comment: This sequence change replaces valine, which is neutral and non-polar, with isoleucine, which is neutral and non-polar, at codon 600 of the MTHFD1 protein (p.Val600Ile). This variant is present in population databases (rs780071344, gnomAD 0.004%). This variant has not been reported in the literature in individuals affected with MTHFD1-related conditions. ClinVar contains an entry for this variant (Variation ID: 1487765). Advanced modeling of protein sequence and biophysical properties (such as structural, functional, and spatial information, amino acid conservation, physicochemical variation, residue mobility, and thermodynamic stability) performed at Invitae indicates that this missense variant is not expected to disrupt MTHFD1 protein function with a negative predictive value of 80%. In summary, the available evidence is currently insufficient to determine the role of this variant in disease. Therefore, it has been classified as a Variant of Uncertain Significance.